The following is an entry in ClinVar:

ClinVar aggregate classification (germline): Uncertain significance (1 of 4 stars; one submission).

Conditions:
Dilated cardiomyopathy 1I (CMD1I). Identifiers: Orphanet 154, MedGen C1858154, MONDO:0011482, OMIM 604765.

Allele frequency attached by ClinVar (database versions not stated): gnomAD 0.00001.

Submission:

Diagnostics Services (NGS), CSIR - Centre For Cellular And Molecular Biology
Classification: Uncertain significance for Dilated cardiomyopathy 1I. Last evaluated: 2022-07-28. Review status: criteria provided, single submitter. Criteria: ACMG Guidelines, 2015. Collection method: clinical testing. Allele origin: unknown. Affected: yes. Observed: 1 variant allele, 1 heterozygote.
Comment: The c.906C>T variant is not present in publicly available population databases like 1000 Genomes, Exome Variant Server (EVS), Exome Aggregation Consortium (ExAC) and Indian Exome Database. The heterozygous state of the variant is present in Genome Aggregation Database (gnomAD), at a low frequency. The variant is not present in our in-house exome database. The variant was not reported to ClinVar, Humand Genome Mutation Database (HGMD), and/or OMIM databases, in any affected individuals. In-silico pathogenicity prediction programs like MutationTaster2, CADD etc. predicted this variant to be likely deleterious. The variant (splice distance 9 bp) may affect splicing by significantly altering auxiliary sequences (ESS/ESE motifs) as predicted by Human Splice Finder v3.1 (HSF3.1), however these predictions were not confirmed by any published functional studies.

NM_001927.4(DES):c.906C>T (p.Asp302=)

Gene: DES (desmin; plus strand). Cytogenetic location: 2q35.
Variant type: single nucleotide variant.
Coding change: c.906C>T on transcript NM_001927.4 (MANE Select); coding-DNA position 906, C replaced by T.
Protein change: p.Asp302=; no amino-acid change (aspartic acid 302 retained).
Molecular consequence: synonymous variant. On other transcripts: intron variant (1).
Genome position (GRCh38, 1-based): chr2:219,420,836, C>T. VCF-style: chr2-219420836-C-T. GRCh37 (hg19) VCF-style: chr2-220285558-C-T.
Other names: c.903C>T, p.Asp301= (NM_001382708.1); c.906C>T, p.Asp302= (NM_001382710.1, NM_001382711.1, NM_001382712.1); c.636C>T, p.Asp212= (NM_001382713.1); c.735+490C>T (NM_001382709.1).
Identifiers: ClinVar variation 1802216 (VCV001802216.3), dbSNP rs1224203630, ClinGen allele CA431427974.
Genomic context (GRCh38, chr2:219,420,836, plus strand): 5'-CTACCCGTGCCCTGCATCCTTCTCATTTTTGGGCCCCTTTCTCTGCCCTTAGGTGTCAGA[C>T]CTGACCCAGGCAGCCAACAAGAACAACGACGCCCTGCGCCAGGCCAAGCAGGAGATGATG-3'
Protein context (NP_001918.3, residues 292-312): AEEWYKSKVS[Asp302=]LTQAANKNND